The following is an entry in ClinVar:

ClinVar aggregate classification (germline): Pathogenic (1 of 4 stars; one submission).

Submission:

Labcorp Genetics (formerly Invitae), Labcorp
Classification: Pathogenic. Last evaluated: 2023-10-17. Review status: criteria provided, single submitter. Criteria: Invitae Variant Classification Sherloc (09022015). Collection method: clinical testing. Allele origin: germline.
Comment: This sequence change creates a premature translational stop signal (p.Ala231Glyfs*25) in the MAK gene. It is expected to result in an absent or disrupted protein product. Loss-of-function variants in MAK are known to be pathogenic (PMID: 21148103, 21825139, 24938718, 29781741). This variant is not present in population databases (gnomAD no frequency). This variant has not been reported in the literature in individuals affected with MAK-related conditions. For these reasons, this variant has been classified as Pathogenic.

Literature cited by the submitters: PubMed 21148103; PubMed 21825139; PubMed 24938718; PubMed 29781741.

NM_001242957.3(MAK):c.689dup (p.Ala231fs)

Gene: MAK (male germ cell associated kinase; minus strand). Cytogenetic location: 6p24.2.
Variant type: Duplication.
Coding change: c.689dup on transcript NM_001242957.3 (MANE Select); coding-DNA position 689, one base duplicated (T; older notation c.689dupT).
Protein change: p.Ala231fs; shifts the reading frame from alanine 231.
Molecular consequence: frameshift variant. On other transcripts: non-coding transcript variant (2).
Genome position (GRCh38, 1-based): chr6:10,802,034, A duplicated on the plus strand (T on the coding strand, the reverse complement: MAK is on the minus strand). VCF-style (leftmost placement, unchanged base first): chr6-10802033-C-CA. GRCh37 (hg19) VCF-style: chr6-10802266-C-CA.
Other names: c.689dup, p.Ala231fs (NM_001242385.2, NM_005906.6); c.587dup, p.Ala197fs (NM_001377262.1); short protein forms A197fs, A231fs.
Identifiers: ClinVar variation 2840648 (VCV002840648.3), dbSNP rs2532469003, ClinGen allele CA2739272842.
Genomic context (GRCh38, chr6:10,802,033, plus strand): 5'-AATAAGAGTTTTTAAGTTTATAGGAACACACTGGGGAAAACGGAAGTTCATAGAGGATGC[C>CA]AGCTGGTATCCTTCTGGCCAGTCACTCTGTTTCAGGAATATATAAGTGCAGGTGGGGAGG-3'